The following is an entry in ClinVar:

ClinVar aggregate classification (germline): Conflicting classifications of pathogenicity. Review status: criteria provided, conflicting classifications (1 of 4 stars). 2 submissions from 2 submitters: Uncertain significance (1); Likely benign (1). Last evaluated 2024-08-29.

Conditions:
Hereditary cancer-predisposing syndrome. Also called: Neoplastic Syndromes, Hereditary; Tumor predisposition; Hereditary Cancer Syndrome; Hereditary neoplastic syndrome. Identifiers: Orphanet 140162, MedGen C0027672, MeSH D009386, MONDO:0015356.

Allele frequency attached by ClinVar (database versions not stated): gnomAD exomes below 0.00001; TOPMed below 0.00001.

Submissions (2):

Ambry Genetics
Classification: Likely benign for Hereditary cancer-predisposing syndrome. Last evaluated: 2024-08-29. Review status: criteria provided, single submitter. Criteria: Ambry Variant Classification Scheme 2023. Collection method: clinical testing. Allele origin: germline.

GeneDx
Classification: Uncertain significance. Last evaluated: 2016-07-25. Review status: criteria provided, single submitter. Criteria: GeneDx Variant Classification (06012015). Collection method: clinical testing. Allele origin: germline. Affected: yes.
Comment: This variant is denoted PALB2 c.154G>A at the cDNA level, p.Val52Ile (V52I) at the protein level, and results in the change of a Valine to an Isoleucine (GTA>ATA). This variant has not, to our knowledge, been published in the literature as pathogenic or benign. PALB2 Val52Ile was not observed in approximately 6,500 individuals of European and African American ancestry in the NHLBI Exome Sequencing Project, suggesting it is not a common benign variant in these populations. Since Valine and Isoleucine share similar properties, this is considered a conservative amino acid substitution. PALB2 Val52Ile occurs at a position that is not conserved and is located in the DNA-binding region, and in a region that interacts with BRCA1 and RAD51 and is required for oligomerization and is important for focal concentration at DNA damage sites (UniProt). In silico analyses predict that this variant is unlikely to alter protein structure or function. Based on currently available evidence, it is unclear whether PALB2 Val52Ile is a pathogenic or benign variant. We consider it to be a variant of uncertain significance.

NM_024675.4(PALB2):c.154G>A (p.Val52Ile)

Gene: PALB2 (partner and localizer of BRCA2; minus strand). Cytogenetic location: 16p12.2.
Variant type: single nucleotide variant.
Coding change: c.154G>A on transcript NM_024675.4 (MANE Select); coding-DNA position 154, G replaced by A.
Protein change: p.Val52Ile; replaces valine 52 with isoleucine.
Molecular consequence: missense variant.
Genome position (GRCh38, 1-based): chr16:23,637,907, C>T on the plus strand (G>A on the coding strand, the complement: PALB2 is on the minus strand). VCF-style: chr16-23637907-C-T. GRCh37 (hg19) VCF-style: chr16-23649228-C-T.
Other names: short protein forms V52I.
Identifiers: ClinVar variation 231918 (VCV000231918.7), dbSNP rs876659444, ClinGen allele CA10580051.